The following is an entry in ClinVar:

ClinVar aggregate classification (germline): Uncertain significance. Review status: criteria provided, multiple submitters, no conflicts (2 of 4 stars). 3 submissions from 3 submitters: Uncertain significance (2). 1 of the submissions does not count toward it. Last evaluated 2025-08-27.

Conditions:
Bloom syndrome (BLM). Also called: Bloom-Torre-Machacek syndrome. Identifiers: Orphanet 125, MedGen C0005859, MONDO:0008876, OMIM 210900.
Hereditary cancer-predisposing syndrome. Also called: Neoplastic Syndromes, Hereditary; Hereditary Cancer Syndrome; Hereditary neoplastic syndrome; Tumor predisposition. Identifiers: Orphanet 140162, MedGen C0027672, MeSH D009386, MONDO:0015356.

Allele frequency attached by ClinVar (database versions not stated): gnomAD exomes below 0.00001 and 0.00001; gnomAD 0.00001; TOPMed 0.00001.
gnomAD v4.1: 13 of 1,613,272 alleles (0.00081%); highest among the groups gnomAD compares: African/African-American, 0.0027%; no homozygotes.

Submissions (3):

Labcorp Genetics (formerly Invitae), Labcorp
Classification: Uncertain significance for Bloom syndrome. Last evaluated: 2025-08-27. Review status: criteria provided, single submitter. Criteria: Invitae Variant Classification Sherloc (09022015). Collection method: clinical testing. Allele origin: germline.
Comment: This sequence change replaces aspartic acid, which is acidic and polar, with glycine, which is neutral and non-polar, at codon 299 of the BLM protein (p.Asp299Gly). The frequency data for this variant in the population databases is considered unreliable, as metrics indicate poor data quality at this position in the gnomAD database. This variant has not been reported in the literature in individuals affected with BLM-related conditions. ClinVar contains an entry for this variant (Variation ID: 1060387). Invitae Evidence Modeling of protein sequence and biophysical properties (such as structural, functional, and spatial information, amino acid conservation, physicochemical variation, residue mobility, and thermodynamic stability) indicates that this missense variant is not expected to disrupt BLM protein function with a negative predictive value of 80%. In summary, the available evidence is currently insufficient to determine the role of this variant in disease. Therefore, it has been classified as a Variant of Uncertain Significance.

Ambry Genetics
Classification: Uncertain significance for Hereditary cancer-predisposing syndrome. Last evaluated: 2023-11-02. Review status: criteria provided, single submitter. Criteria: Ambry Variant Classification Scheme 2023. Collection method: clinical testing. Allele origin: germline.
Comment: The p.D299G variant (also known as c.896A>G), located in coding exon 3 of the BLM gene, results from an A to G substitution at nucleotide position 896. The aspartic acid at codon 299 is replaced by glycine, an amino acid with similar properties. This amino acid position is highly conserved in available vertebrate species. In addition, the in silico prediction for this alteration is inconclusive. Since supporting evidence is limited at this time, the clinical significance of this alteration remains unclear.

Natera, Inc.
Classification: Uncertain significance for Bloom syndrome. Last evaluated: 2018-06-11. Review status: no assertion criteria provided. Collection method: clinical testing. Allele origin: germline. Not counted in ClinVar's aggregate classification.

NM_000057.4(BLM):c.896A>G (p.Asp299Gly)

Gene: BLM (BLM RecQ like helicase; plus strand). Cytogenetic location: 15q26.1.
Variant type: single nucleotide variant.
Coding change: c.896A>G on transcript NM_000057.4 (MANE Select); coding-DNA position 896, A replaced by G.
Protein change: p.Asp299Gly; replaces aspartic acid 299 with glycine.
Molecular consequence: missense variant. On other transcripts: 5 prime UTR variant (1).
Genome position (GRCh38, 1-based): chr15:90,751,883, A>G. VCF-style: chr15-90751883-A-G. GRCh37 (hg19) VCF-style: chr15-91295113-A-G.
Other names: c.896A>G, p.Asp299Gly (NM_001287246.2, NM_001287247.2); c.-396A>G (NM_001287248.2); c.896A>G (NM_000057.2); short protein forms D299G.
Identifiers: ClinVar variation 1060387 (VCV001060387.13), dbSNP rs1418306226, ClinGen allele CA393841832.
Genomic context (GRCh38, chr15:90,751,883, plus strand): 5'-AATTACATTCAACTGAGAAAGTTCCATGTATTGAATTTGATGATGATGATTATGATACGG[A>G]TTTTGTTCCACCTTCTCCAGAAGAAATTATTTCTGCTTCTTCTTCCTCTTCAAAATGCCT-3'
Protein context (NP_000048.1, residues 289-309): IEFDDDDYDT[Asp299Gly]FVPPSPEEII